The following is an entry in ClinVar:

ClinVar aggregate classification (germline): Uncertain significance. Review status: criteria provided, multiple submitters, no conflicts (2 of 4 stars). 4 submissions from 4 submitters: Uncertain significance (4). Last evaluated 2025-12-10.

Conditions:
Hereditary cancer-predisposing syndrome. Also called: Hereditary neoplastic syndrome; Tumor predisposition; Neoplastic Syndromes, Hereditary; Hereditary Cancer Syndrome. Identifiers: Orphanet 140162, MedGen C0027672, MeSH D009386, MONDO:0015356.
Neuroblastoma, susceptibility to, 3. Also called: ALK-Related Neuroblastic Tumor Susceptibility. Identifiers: Orphanet 635, MedGen C2751681, MONDO:0013083, OMIM 613014.

Allele frequency attached by ClinVar (database versions not stated): TOPMed 0.00002.
gnomAD v4.1: 8 of 1,611,344 alleles (0.0005%); highest among the groups gnomAD compares: Non-Finnish European, 0.00068%; no homozygotes.

Submissions (4):

Labcorp Genetics (formerly Invitae), Labcorp
Classification: Uncertain significance for Neuroblastoma, susceptibility to, 3. Last evaluated: 2025-12-10. Review status: criteria provided, single submitter. Criteria: Invitae Variant Classification Sherloc (09022015). Collection method: clinical testing. Allele origin: germline.
Comment: This sequence change replaces glutamine, which is neutral and polar, with histidine, which is basic and polar, at codon 1388 of the ALK protein (p.Gln1388His). This variant also falls at the last nucleotide of exon 28, which is part of the consensus splice site for this exon. This variant is present in population databases (rs200902932, gnomAD 0.002%). This variant has not been reported in the literature in individuals affected with ALK-related conditions. ClinVar contains an entry for this variant (Variation ID: 857155). An algorithm developed to predict the effect of missense changes on protein structure and function (PolyPhen-2) suggests that this variant is likely to be disruptive. Variants that disrupt the consensus splice site are a relatively common cause of aberrant splicing (PMID: 17576681, 9536098). Algorithms developed to predict the effect of sequence changes on RNA splicing suggest that this variant may disrupt the consensus splice site. In summary, the available evidence is currently insufficient to determine the role of this variant in disease. Therefore, it has been classified as a Variant of Uncertain Significance.

Ambry Genetics
Classification: Uncertain significance for Hereditary cancer-predisposing syndrome. Last evaluated: 2025-02-25. Review status: criteria provided, single submitter. Criteria: Ambry Variant Classification Scheme 2023. Collection method: clinical testing. Allele origin: germline.
Comment: The p.Q1388H variant (also known as c.4164G>C), located in coding exon 28 of the ALK gene, results from a G to C substitution at nucleotide position 4164. The glutamine at codon 1388 is replaced by histidine, an amino acid with highly similar properties. However, this change occurs in the last base pair of coding exon 28 and may have some effect on normal mRNA splicing. This nucleotide position is highly conserved in available vertebrate species. This amino acid position is highly conserved in available vertebrate species. In silico splice site analysis predicts that this alteration may weaken the native splice donor site. In addition, as a missense substitution this is predicted to be inconclusive by in silico analysis. Loss of function of ALK has not been established as a mechanism of disease. Based on the available evidence, the clinical significance of this variant remains unclear.

Baylor Genetics
Classification: Uncertain significance for Neuroblastoma, susceptibility to, 3. Last evaluated: 2024-03-29. Review status: criteria provided, single submitter. Criteria: ACMG Guidelines, 2015. Collection method: clinical testing. Allele origin: unknown.

Sema4
Classification: Uncertain significance for Hereditary cancer-predisposing syndrome. Last evaluated: 2021-07-20. Review status: criteria provided, single submitter. Criteria: Sema4 Curation Guidelines. Collection method: curation. Allele origin: germline.
Comment: The ALK c.4164G>C (p.Q1388H) variant has not been reported in the literature to our knowledge. It was observed in 3/129066 chromosomes of the Non-Finnish European subpopulation in the large and broad cohorts of the Genome Aggregation Database (PMID: 32461654). This variant has been reported in ClinVar (Variation ID 857155). Functional studies have not been performed, and in silico predictions of the variant's effect on protein function are inconclusive. This variant is the last nucleotide of exon 28 and splice site prediction tools suggest the variant may disrupt normal splicing, however these predictions have not been confirmed by published transcriptional studies. The evidence is insufficient to meet ACMG/AMP criteria for classifying the variant as benign or pathogenic. Thus, the clinical significance of this variant is currently uncertain.

Literature cited by the submitters: PubMed 17576681 (cited by Labcorp Genetics (formerly Invitae), Labcorp); PubMed 9536098 (cited by Labcorp Genetics (formerly Invitae), Labcorp).

NM_004304.5(ALK):c.4164G>C (p.Gln1388His)

Gene: ALK (ALK receptor tyrosine kinase; minus strand). Cytogenetic location: 2p23.2.
Variant type: single nucleotide variant.
Coding change: c.4164G>C on transcript NM_004304.5 (MANE Select); coding-DNA position 4164, G replaced by C.
Protein change: p.Gln1388His; replaces glutamine 1388 with histidine.
Molecular consequence: missense variant.
Genome position (GRCh38, 1-based): chr2:29,196,770, C>G on the plus strand (G>C on the coding strand, the complement: ALK is on the minus strand). VCF-style: chr2-29196770-C-G. GRCh37 (hg19) VCF-style: chr2-29419636-C-G.
Other names: c.960G>C, p.Gln320His (NM_001353765.2); short protein forms Q1388H, Q320H.
Identifiers: ClinVar variation 857155 (VCV000857155.11), dbSNP rs200902932, ClinGen allele CA1593653.